The following is an entry in ClinVar:

NM_024675.4(PALB2):c.1536C>A (p.Tyr512Ter)

Gene: PALB2 (partner and localizer of BRCA2; minus strand). Cytogenetic location: 16p12.2.
Variant type: single nucleotide variant.
Coding change: c.1536C>A on transcript NM_024675.4 (MANE Select); coding-DNA position 1536, C replaced by A.
Protein change: p.Tyr512Ter; replaces tyrosine 512 with a stop codon.
Molecular consequence: nonsense.
Genome position (GRCh38, 1-based): chr16:23,635,010, G>T on the plus strand (C>A on the coding strand, the complement: PALB2 is on the minus strand). VCF-style: chr16-23635010-G-T. GRCh37 (hg19) VCF-style: chr16-23646331-G-T.
Other names: short protein forms Y512*.
Identifiers: ClinVar variation 628983 (VCV000628983.15), dbSNP rs1567220802, ClinGen allele CA395130912.
Genomic context (GRCh38, chr16:23,635,010, plus strand): 5'-TGGCAAAAGTGGTTCACAATGATCTGATGCTGGGGTGCAGGCTGATTTTCTTTTTCCTGT[G>T]TATCTTCTACCAGGTGCTTGGGCAACTGCCTTCCTAGACAAGTCATTATCTTCAGTGGGC-3'

ClinVar aggregate classification (germline): Pathogenic. Review status: criteria provided, multiple submitters, no conflicts (2 of 4 stars). 5 submissions from 5 submitters: Pathogenic (4). 1 of the submissions does not count toward it. Last evaluated 2024-12-06.

Conditions:
Familial cancer of breast. Also called: BREAST CANCER, FAMILIAL; Hereditary breast cancer; hereditary breast carcinoma. Identifiers: Orphanet 227535, MedGen C0346153, MONDO:0016419, OMIM 114480. Disease mechanism: loss of function.
Hereditary cancer-predisposing syndrome. Also called: Neoplastic Syndromes, Hereditary; Tumor predisposition; Hereditary neoplastic syndrome; Hereditary Cancer Syndrome. Identifiers: Orphanet 140162, MedGen C0027672, MeSH D009386, MONDO:0015356.

Allele frequency attached by ClinVar (database versions not stated): gnomAD exomes below 0.00001.
gnomAD v4.1: 1 of 1,614,110 alleles (0.000062%); highest among the groups gnomAD compares: Non-Finnish European, 0.000085%; no homozygotes.

Submissions (5):

Ambry Genetics
Classification: Pathogenic for Hereditary cancer-predisposing syndrome. Last evaluated: 2024-12-06. Review status: criteria provided, single submitter. Criteria: Ambry Variant Classification Scheme 2023. Collection method: clinical testing. Allele origin: germline.
Comment: The p.Y512* variant (also known as c.1536C>A), located in coding exon 4 of the PALB2 gene, results from a C to A substitution at nucleotide position 1536. This changes the amino acid from a tyrosine to a stop codon within coding exon 4. This alteration was observed with an allele frequency of 1 in 7,051 unselected female breast cancer patients and was observed with an allele frequency of 0 in 11,241 female controls of Japanese ancestry. In addition, it was not observed in unselected male breast cancer patients or male controls of Japanese ancestry (Momozawa Y et al. Nat Commun, 2018 Oct;9:4083). In addition to the clinical data presented in the literature, this alteration is expected to result in loss of function by premature protein truncation or nonsense-mediated mRNA decay. As such, this alteration is interpreted as a disease-causing mutation.

Labcorp Genetics (formerly Invitae), Labcorp
Classification: Pathogenic for Familial cancer of breast. Last evaluated: 2023-09-26. Review status: criteria provided, single submitter. Criteria: Invitae Variant Classification Sherloc (09022015). Collection method: clinical testing. Allele origin: germline.
Comment: This sequence change creates a premature translational stop signal (p.Tyr512*) in the PALB2 gene. It is expected to result in an absent or disrupted protein product. Loss-of-function variants in PALB2 are known to be pathogenic (PMID: 17200668, 17200671, 17200672, 24136930, 25099575). This variant is not present in population databases (gnomAD no frequency). This variant has not been reported in the literature in individuals affected with PALB2-related conditions. ClinVar contains an entry for this variant (Variation ID: 628983). For these reasons, this variant has been classified as Pathogenic.

Myriad Genetics, Inc.
Classification: Pathogenic for Familial cancer of breast. Last evaluated: 2023-09-08. Review status: criteria provided, single submitter. Criteria: Myriad Autosomal Dominant, Autosomal Recessive and X-Linked Classification Criteria (2023). Collection method: clinical testing. Allele origin: unknown.
Comment: This variant is considered pathogenic. This variant creates a termination codon and is predicted to result in premature protein truncation.

Color Diagnostics, LLC DBA Color Health
Classification: Pathogenic for Hereditary cancer-predisposing syndrome. Last evaluated: 2020-01-15. Review status: criteria provided, single submitter. Criteria: ACMG Guidelines, 2015. Collection method: clinical testing. Allele origin: germline.
Comment: This variant changes 1 nucleotide in exon 4 of the PALB2 gene, creating a premature translation stop signal. This variant is expected to result in an absent or non-functional protein product. This variant has not been identified in the general population by the Genome Aggregation Database (gnomAD). Loss of PALB2 function is a known mechanism of disease. Based on the available evidence, this variant is classified as Pathogenic.

Leiden Open Variation Database
Classification: Pathogenic. Last evaluated: 2018-10-10. Review status: no assertion criteria provided. Collection method: curation. Allele origin: germline. Affected: yes. Not counted in ClinVar's aggregate classification.
Comment: Curators: Marc Tischkowitz, Arleen D. Auerbach. Submitter to LOVD: Yukihide Momozawa.

Literature cited by the submitters: PubMed 30287823 (cited by Ambry Genetics and Leiden Open Variation Database); PubMed 17200668 (cited by Labcorp Genetics (formerly Invitae), Labcorp); PubMed 17200671 (cited by Labcorp Genetics (formerly Invitae), Labcorp); PubMed 17200672 (cited by Labcorp Genetics (formerly Invitae), Labcorp); PubMed 24136930 (cited by Labcorp Genetics (formerly Invitae), Labcorp); PubMed 25099575 (cited by Labcorp Genetics (formerly Invitae), Labcorp).